The following is an entry in ClinVar:

NM_199420.4(POLQ):c.4983G>T (p.Met1661Ile)

Gene: POLQ (DNA polymerase theta; minus strand). Cytogenetic location: 3q13.33.
Variant type: single nucleotide variant.
Coding change: c.4983G>T on transcript NM_199420.4 (MANE Select); coding-DNA position 4983, G replaced by T.
Protein change: p.Met1661Ile; replaces methionine 1661 with isoleucine.
Molecular consequence: missense variant.
Genome position (GRCh38, 1-based): chr3:121,487,948, C>A on the plus strand (G>T on the coding strand, the complement: POLQ is on the minus strand). VCF-style: chr3-121487948-C-A. GRCh37 (hg19) VCF-style: chr3-121206795-C-A.
Other names: short protein forms M1661I.
Identifiers: ClinVar variation 3422577 (VCV003422577.1).

ClinVar aggregate classification (germline): Uncertain significance (1 of 4 stars; one submission).

Submission:

Ambry Genetics
Classification: Uncertain significance. Last evaluated: 2024-09-30. Review status: criteria provided, single submitter. Criteria: Ambry Variant Classification Scheme 2023. Collection method: clinical testing. Allele origin: germline.
Comment: The p.M1661I variant (also known as c.4983G>T), located in coding exon 16 of the POLQ gene, results from a G to T substitution at nucleotide position 4983. The methionine at codon 1661 is replaced by isoleucine, an amino acid with highly similar properties. This amino acid position is conserved. In addition, this alteration is predicted to be tolerated by in silico analysis. Based on the available evidence, the clinical significance of this variant remains unclear.